The following is an entry in ClinVar:

NM_015175.3(NBEAL2):c.7878+2T>A

Gene: NBEAL2 (neurobeachin like 2; plus strand). Cytogenetic location: 3p21.31.
Variant type: single nucleotide variant.
Coding change: c.7878+2T>A on transcript NM_015175.3 (MANE Select); the canonical splice donor site of the intron after coding-DNA position 7878, T replaced by A.
Molecular consequence: splice donor variant.
Genome position (GRCh38, 1-based): chr3:47,008,443, T>A. VCF-style: chr3-47008443-T-A. GRCh37 (hg19) VCF-style: chr3-47049933-T-A.
Other names: c.7776+2T>A (NM_001365116.2).
Identifiers: ClinVar variation 2445999 (VCV002445999.3), dbSNP rs2545343689, ClinGen allele CA352549454.
Genomic context (GRCh38, chr3:47,008,443, plus strand): 5'-TGGGGTCCGAAGGCCAGATTGTGGTACAGAGCTCAGCGTGGGAACGTCCTGGGGCCCAGG[T>A]ATGGGGAAGGGGTGCCCAGCAAAGATGGAGGGGCAGTTGGGATCCTGTCCTTGCTGACAC-3'

ClinVar aggregate classification (germline): Uncertain significance (0 of 4 stars; one submission).

Conditions:
Keratoconus (KC). Identifiers: MedGen C0022578, MeSH D007640, MONDO:0015486, HP:0000563.

Submission:

Refractive Surgery Department, Bright Eye Hospital
Classification: Uncertain significance for Keratoconus. Last evaluated: 2024-05-10. Review status: no assertion criteria provided. Collection method: clinical testing. Allele origin: inherited. Affected: yes. Observed: 3 variant alleles, 3 heterozygotes.
Comment: NBEAL2 encodes a cellular scaffold protein (2750 aa, 302 kDa), which is in the keratoconus library in NEIBank. In 2021, Shinde et al.30 detected amino acid alterations in KC patients and significant NBEAL2 expression in the cornea.30 NBEAL2 plays a role in cell metabolism and activity associated with lysosome-related organelles.35, 36 While KC is a disorder with the abnormality in lysosome-related organelles.37 In this study, we identified a novel splice-site mutation c.7776+2T>A in the exon 51-intron 52 boundary of NBEAL2 gene in family 5. The mutation was predicted to be pathogenicity. The splice donor loss likely had an impact on the amino acid sequence and expression of NBEAL2.